The following is an entry in ClinVar:

NM_018910.3(PCDHA7):c.645C>T (p.Thr215=)

Genes: PCDHA1 (protocadherin alpha 1; plus strand), PCDHA2 (protocadherin alpha 2; plus strand), PCDHA3 (protocadherin alpha 3; plus strand), PCDHA4 (protocadherin alpha 4; plus strand), PCDHA5 (protocadherin alpha 5; plus strand) and 3 more. Cytogenetic location: 5q31.3.
Variant type: single nucleotide variant.
Coding change: c.645C>T on transcript NM_018910.3 (MANE Select); coding-DNA position 645, C replaced by T.
Protein change: p.Thr215=; no amino-acid change (threonine 215 retained).
Molecular consequence: synonymous variant. On other transcripts: intron variant (8).
Genome position (GRCh38, 1-based): chr5:140,835,028, C>T. VCF-style: chr5-140835028-C-T. GRCh37 (hg19) VCF-style: chr5-140214613-C-T.
Other names: c.645C>T, p.Thr215= (NM_031852.2); c.2394+46344C>T (NM_018900.4); c.1602+47136C>T (NM_031411.3); c.2388+37676C>T (NM_018905.3); c.2394+31437C>T (NM_018906.3); c.2385+25456C>T (NM_018907.4); c.2352+10901C>T (NM_018908.3); c.2394+4543C>T (NM_018909.4); and 1 more.
Identifiers: ClinVar variation 2655763 (VCV002655763.22), dbSNP rs1415621431, ClinGen allele CA446815781.

ClinVar aggregate classification (germline): Likely benign (1 of 4 stars; one submission).

Allele frequency attached by ClinVar (database versions not stated): gnomAD 0.00004.
gnomAD v4.1: 22 of 1,326,496 alleles (0.0017%); highest among the groups gnomAD compares: African/African-American, 0.032%; no homozygotes.

Submission:

CeGaT Center for Human Genetics Tuebingen
Classification: Likely benign. Last evaluated: 2022-03-01. Review status: criteria provided, single submitter. Criteria: CeGaT Center For Human Genetics Tuebingen Variant Classification Criteria Version 2. Collection method: clinical testing. Allele origin: germline. Affected: yes. Observed: 1 variant allele.
Comment: PCDHA7: BP4, BP7